The following is an entry in ClinVar:

ClinVar aggregate classification (germline): Likely benign. Review status: criteria provided, multiple submitters, no conflicts (2 of 4 stars). 2 submissions from 2 submitters: Likely benign (2). Last evaluated 2025-06-17.

Conditions:
B3GALNT2-related disorder. Also called: B3GALNT2-related condition.
Muscular dystrophy-dystroglycanopathy (congenital with brain and eye anomalies), type a, 11 (MDDGA11). Also called: Muscular dystrophy-dystroglycanopathy (congenital with brain and eye anomalies, type A, 11; WALKER-WARBURG SYNDROME OR MUSCLE-EYE-BRAIN DISEASE, B3GALNT2-RELATED; Congenital muscular dystrophy-dystroglycanopathy with brain and eye anomalies, type A11. Identifiers: Orphanet 588, Orphanet 899, MedGen C3554638, MONDO:0014071, OMIM 615181.

gnomAD v4.1: 124 of 1,606,438 alleles (0.0077%); highest among the groups gnomAD compares: African/African-American, 0.016%; no homozygotes.

Submissions (2):

Labcorp Genetics (formerly Invitae), Labcorp
Classification: Likely benign for Muscular dystrophy-dystroglycanopathy (congenital with brain and eye anomalies), type a, 11. Last evaluated: 2025-06-17. Review status: criteria provided, single submitter. Criteria: Invitae Variant Classification Sherloc (09022015). Collection method: clinical testing. Allele origin: germline.

PreventionGenetics, part of Exact Sciences
Classification: Likely benign for B3GALNT2-related condition. Last evaluated: 2025-06-09. Review status: criteria provided, single submitter. Criteria: ACMG Guidelines, 2015. Collection method: clinical testing. Allele origin: germline.
Comment: This variant is classified as likely benign based on ACMG/AMP sequence variant interpretation guidelines (Richards et al. 2015 PMID: 25741868, with internal and published modifications).

NM_152490.5(B3GALNT2):c.762+8G>A

Gene: B3GALNT2 (beta-1,3-N-acetylgalactosaminyltransferase 2; minus strand). Cytogenetic location: 1q42.3.
Variant type: single nucleotide variant.
Coding change: c.762+8G>A on transcript NM_152490.5 (MANE Select); 8 bases into the intron after coding-DNA position 762, G replaced by A.
Molecular consequence: intron variant.
Genome position (GRCh38, 1-based): chr1:235,470,842, C>T on the plus strand (G>A on the coding strand, the complement: B3GALNT2 is on the minus strand). VCF-style: chr1-235470842-C-T. GRCh37 (hg19) VCF-style: chr1-235634156-C-T.
Other names: c.885+8G>A (NM_001277155.3); c.762+8G>A (NM_152490.4).
Identifiers: ClinVar variation 1136327 (VCV001136327.8), dbSNP rs77267353, ClinGen allele CA1464810.